The following is an entry in ClinVar:

NM_000428.3(LTBP2):c.2099G>A (p.Arg700His)

Gene: LTBP2 (latent transforming growth factor beta binding protein 2; minus strand). Cytogenetic location: 14q24.3.
Variant type: single nucleotide variant.
Coding change: c.2099G>A on transcript NM_000428.3 (MANE Select); coding-DNA position 2099, G replaced by A.
Protein change: p.Arg700His; replaces arginine 700 with histidine.
Molecular consequence: missense variant.
Genome position (GRCh38, 1-based): chr14:74,529,011, C>T on the plus strand (G>A on the coding strand, the complement: LTBP2 is on the minus strand). VCF-style: chr14-74529011-C-T. GRCh37 (hg19) VCF-style: chr14-74995714-C-T.
Other names: short protein forms R700H.
Identifiers: ClinVar variation 2421950 (VCV002421950.5), dbSNP rs750926855, ClinGen allele CA7269648.

ClinVar aggregate classification (germline): Uncertain significance (1 of 4 stars; one submission).

Allele frequency attached by ClinVar (database versions not stated): TOPMed 0.00004; gnomAD 0.00005; gnomAD exomes 0.00005; ExAC 0.00015.
gnomAD v4.1: 76 of 1,604,100 alleles (0.0047%); highest among the groups gnomAD compares: South Asian, 0.0067%; 1 homozygote.

Submission:

Labcorp Genetics (formerly Invitae), Labcorp
Classification: Uncertain significance. Last evaluated: 2025-10-02. Review status: criteria provided, single submitter. Criteria: Invitae Variant Classification Sherloc (09022015). Collection method: clinical testing. Allele origin: germline.
Comment: This sequence change replaces arginine, which is basic and polar, with histidine, which is basic and polar, at codon 700 of the LTBP2 protein (p.Arg700His). This variant is present in population databases (rs750926855, gnomAD 0.07%). This variant has not been reported in the literature in individuals affected with LTBP2-related conditions. ClinVar contains an entry for this variant (Variation ID: 2421950). An algorithm developed to predict the effect of missense changes on protein structure and function (PolyPhen-2) suggests that this variant is likely to be disruptive. In summary, the available evidence is currently insufficient to determine the role of this variant in disease. Therefore, it has been classified as a Variant of Uncertain Significance.